The following is an entry in ClinVar:

ClinVar aggregate classification (germline): Uncertain significance (1 of 4 stars; one submission).

Conditions:
Hereditary cancer-predisposing syndrome. Also called: Hereditary Cancer Syndrome; Hereditary neoplastic syndrome; Neoplastic Syndromes, Hereditary; Tumor predisposition. Identifiers: Orphanet 140162, MedGen C0027672, MeSH D009386, MONDO:0015356.

Allele frequency attached by ClinVar (database versions not stated): gnomAD 0.00001; TOPMed 0.00002.
gnomAD v4.1: 1 of 1,608,480 alleles (0.000062%); highest among the groups gnomAD compares: African/African-American, 0.0013%; no homozygotes.

Submission:

Ambry Genetics
Classification: Uncertain significance for Hereditary cancer-predisposing syndrome. Last evaluated: 2024-12-13. Review status: criteria provided, single submitter. Criteria: Ambry Variant Classification Scheme 2023. Collection method: clinical testing. Allele origin: germline.
Comment: The p.M487I variant (also known as c.1461G>A), located in coding exon 14 of the POLE gene, results from a G to A substitution at nucleotide position 1461. The methionine at codon 487 is replaced by isoleucine, an amino acid with highly similar properties. This amino acid position is conserved. In addition, the in silico prediction for this alteration is inconclusive. Based on the available evidence, the clinical significance of this variant remains unclear.

NM_006231.4(POLE):c.1461G>A (p.Met487Ile)

Gene: POLE (DNA polymerase epsilon, catalytic subunit; minus strand). Cytogenetic location: 12q24.33.
Variant type: single nucleotide variant.
Coding change: c.1461G>A on transcript NM_006231.4 (MANE Select); coding-DNA position 1461, G replaced by A.
Protein change: p.Met487Ile; replaces methionine 487 with isoleucine.
Molecular consequence: missense variant.
Genome position (GRCh38, 1-based): chr12:132,673,176, C>T on the plus strand (G>A on the coding strand, the complement: POLE is on the minus strand). VCF-style: chr12-132673176-C-T. GRCh37 (hg19) VCF-style: chr12-133249762-C-T.
Other names: short protein forms M487I.
Identifiers: ClinVar variation 1773168 (VCV001773168.3), dbSNP rs1367501021, ClinGen allele CA387358102.